The following is an entry in ClinVar:

NM_025145.7(CFAP43):c.4771T>C (p.Cys1591Arg)

Gene: CFAP43 (cilia and flagella associated protein 43; minus strand). Cytogenetic location: 10q25.1.
Variant type: single nucleotide variant.
Coding change: c.4771T>C on transcript NM_025145.7 (MANE Select); coding-DNA position 4771, T replaced by C.
Protein change: p.Cys1591Arg; replaces cysteine 1591 with arginine.
Molecular consequence: missense variant.
Genome position (GRCh38, 1-based): chr10:104,131,391, A>G on the plus strand (T>C on the coding strand, the complement: CFAP43 is on the minus strand). VCF-style: chr10-104131391-A-G. GRCh37 (hg19) VCF-style: chr10-105891149-A-G.
Other names: short protein forms C1591R.
Identifiers: ClinVar variation 2634708 (VCV002634708.3), dbSNP rs1273285701, ClinGen allele CA378080665.
Genomic context (GRCh38, chr10:104,131,391, plus strand): 5'-CCATTGCATTACAGATGTCTTTTCTCTCTGAGACAGCTACCAACTCTTCTCGTAGATTGC[A>G]GCTTAGGGCATAATTTGCTATATCTTTTTGATTGCTGAACTTTCCAAGTTTTTTGAGTAG-3'
Protein context (NP_079421.5, residues 1581-1601): QKDIANYALS[Cys1591Arg]NLREELVAVS

ClinVar aggregate classification (germline): Uncertain significance (0 of 4 stars; one submission).

Conditions:
CFAP43-related disorder. Also called: CFAP43-related condition.

Allele frequency attached by ClinVar (database versions not stated): gnomAD exomes 0.00001; gnomAD 0.00002; TOPMed 0.00002.
gnomAD v4.1: 20 of 1,613,678 alleles (0.0012%); highest among the groups gnomAD compares: Admixed American, 0.0017%; no homozygotes.

Submission:

PreventionGenetics, part of Exact Sciences
Classification: Uncertain significance for CFAP43-related condition. Last evaluated: 2023-11-27. Review status: no assertion criteria provided. Collection method: clinical testing. Allele origin: germline.
Comment: The CFAP43 c.4771T>C variant is predicted to result in the amino acid substitution p.Cys1591Arg. To our knowledge, this variant has not been reported in the literature. This variant is reported in 0.0026% of alleles in individuals of European (Non-Finnish) descent in gnomAD. At this time, the clinical significance of this variant is uncertain due to the absence of conclusive functional and genetic evidence.